The following is an entry in ClinVar:

ClinVar aggregate classification (germline): Uncertain significance (1 of 4 stars; one submission).

Allele frequency attached by ClinVar (database versions not stated): gnomAD 0.00001; gnomAD exomes 0.00001; TOPMed 0.00001; ExAC 0.00002.
gnomAD v4.1: 16 of 1,614,028 alleles (0.00099%); highest among the groups gnomAD compares: South Asian, 0.0055%; no homozygotes.

Submission:

Labcorp Genetics (formerly Invitae), Labcorp
Classification: Uncertain significance. Last evaluated: 2023-05-04. Review status: criteria provided, single submitter. Criteria: Invitae Variant Classification Sherloc (09022015). Collection method: clinical testing. Allele origin: germline.
Comment: This sequence change replaces methionine, which is neutral and non-polar, with valine, which is neutral and non-polar, at codon 332 of the CLCN6 protein (p.Met332Val). In summary, the available evidence is currently insufficient to determine the role of this variant in disease. Therefore, it has been classified as a Variant of Uncertain Significance. Algorithms developed to predict the effect of missense changes on protein structure and function output the following: SIFT: "Not Available"; PolyPhen-2: "Benign"; Align-GVGD: "Not Available". The valine amino acid residue is found in multiple mammalian species, which suggests that this missense change does not adversely affect protein function. This variant has not been reported in the literature in individuals affected with CLCN6-related conditions. This variant is present in population databases (rs774319486, gnomAD 0.01%).

NM_001286.5(CLCN6):c.994A>G (p.Met332Val)

Gene: CLCN6 (chloride voltage-gated channel 6; plus strand). Cytogenetic location: 1p36.22.
Variant type: single nucleotide variant.
Coding change: c.994A>G on transcript NM_001286.5 (MANE Select); coding-DNA position 994, A replaced by G.
Protein change: p.Met332Val; replaces methionine 332 with valine.
Molecular consequence: missense variant. On other transcripts: non-coding transcript variant (1).
Genome position (GRCh38, 1-based): chr1:11,828,497, A>G. VCF-style: chr1-11828497-A-G. GRCh37 (hg19) VCF-style: chr1-11888554-A-G.
Other names: c.928A>G, p.Met310Val (NM_001256959.2); short protein forms M332V, M310V.
Identifiers: ClinVar variation 2970646 (VCV002970646.3), dbSNP rs774319486, ClinGen allele CA596310.
Genomic context (GRCh38, chr1:11,828,497, plus strand): 5'-CTCCCTTTCCCCTTCTCTCAGTGCTCTGACTCTGATAAAAAATGTCATCTCTGGACAGCT[A>G]TGGATTTGGGTTTCTTCGTCGTGATGGGGGTCATTGGGGGCCTCCTGGGAGCCACATTCA-3'
Protein context (NP_001277.2, residues 322-342): SDKKCHLWTA[Met332Val]DLGFFVVMGV